The following is an entry in ClinVar:

NM_001112741.2(KCNC1):c.934G>A (p.Val312Ile)

Gene: KCNC1 (potassium voltage-gated channel subfamily C member 1; plus strand). Cytogenetic location: 11p15.1.
Variant type: single nucleotide variant.
Coding change: c.934G>A on transcript NM_001112741.2 (MANE Select); coding-DNA position 934, G replaced by A.
Protein change: p.Val312Ile; replaces valine 312 with isoleucine.
Molecular consequence: missense variant.
Genome position (GRCh38, 1-based): chr11:17,772,028, G>A. VCF-style: chr11-17772028-G-A. GRCh37 (hg19) VCF-style: chr11-17793575-G-A.
Other names: c.934G>A, p.Val312Ile (NM_004976.4); short protein forms V312I.
Identifiers: ClinVar variation 3708434 (VCV003708434.2).

ClinVar aggregate classification (germline): Uncertain significance (1 of 4 stars; one submission).

Conditions:
Progressive myoclonic epilepsy type 7. Identifiers: Orphanet 435438, MedGen C4015420, MONDO:0014521, OMIM 616187.

gnomAD v4.1: 1 of 1,613,350 alleles (0.000062%); highest among the groups gnomAD compares: Non-Finnish European, 0.000085%; no homozygotes.

Submission:

Labcorp Genetics (formerly Invitae), Labcorp
Classification: Uncertain significance for Progressive myoclonic epilepsy type 7. Last evaluated: 2024-04-10. Review status: criteria provided, single submitter. Criteria: Invitae Variant Classification Sherloc (09022015). Collection method: clinical testing. Allele origin: germline.
Comment: This sequence change replaces valine, which is neutral and non-polar, with isoleucine, which is neutral and non-polar, at codon 312 of the KCNC1 protein (p.Val312Ile). This variant is not present in population databases (gnomAD no frequency). This variant has not been reported in the literature in individuals affected with KCNC1-related conditions. Advanced modeling of protein sequence and biophysical properties (such as structural, functional, and spatial information, amino acid conservation, physicochemical variation, residue mobility, and thermodynamic stability) performed at Invitae indicates that this missense variant is not expected to disrupt KCNC1 protein function with a negative predictive value of 80%. In summary, the available evidence is currently insufficient to determine the role of this variant in disease. Therefore, it has been classified as a Variant of Uncertain Significance.